The following is an entry in ClinVar:

NM_007294.4(BRCA1):c.1383del (p.Phe461fs)

Gene: BRCA1 (BRCA1 DNA repair associated; minus strand). Cytogenetic location: 17q21.31.
Variant type: Deletion.
Coding change: c.1383del on transcript NM_007294.4 (MANE Select); coding-DNA position 1383, one base deleted (T; older notation c.1383delT).
Protein change: p.Phe461fs; shifts the reading frame from phenylalanine 461.
Molecular consequence: frameshift variant. On other transcripts: intron variant (137).
Genome position (GRCh38, 1-based): chr17:43,094,148, A deleted on the plus strand (T on the coding strand, the reverse complement: BRCA1 is on the minus strand); the first of 3 consecutive A bases (chr17:43,094,148-43,094,150); deleting any one gives the same sequence. VCF-style (leftmost placement, unchanged base first): chr17-43094147-CA-C. GRCh37 (hg19) VCF-style: chr17-41246164-CA-C.
Other names: 1502delT; c.1383delT (NM_007294.3); c.1170del, p.Phe390fs (NM_001407571.1, NM_001407853.1, NM_001407894.1 and 9 more transcripts); c.1383del, p.Phe461fs (NM_001407581.1, NM_001407582.1, NM_001407583.1 and 30 more transcripts); c.1380del, p.Phe460fs (NM_001407587.1, NM_001407590.1, NM_001407591.1 and 22 more transcripts); c.1374del, p.Phe458fs (NM_001407646.1, NM_001407647.1); c.1260del, p.Phe420fs (NM_001407648.1, NM_001407664.1, NM_001407665.1 and 19 more transcripts); c.1257del, p.Phe419fs (NM_001407649.1, NM_001407670.1, NM_001407671.1 and 11 more transcripts); and 42 more; short protein forms F414fs, F461fs, F293fs, F333fs, F413fs, F419fs, F434fs, F435fs.
Identifiers: ClinVar variation 54229 (VCV000054229.3), dbSNP rs80357879, ClinGen allele CA000920.

ClinVar aggregate classification (germline): Pathogenic. Review status: reviewed by expert panel (3 of 4 stars). 2 submissions from 2 submitters: Pathogenic (1). 1 of the submissions does not count toward it. Last evaluated 2016-09-08.

Conditions:
Breast-ovarian cancer, familial, susceptibility to, 1 (BROVCA1). Also called: OVARIAN CANCER, SUSCEPTIBILITY TO; BRCA1 Hereditary Breast and Ovarian Cancer. Identifiers: Orphanet 145, MedGen C2676676, MONDO:0011450, OMIM 604370. Disease mechanism: loss of function.

Submissions (2):

Evidence-based Network for the Interpretation of Germline Mutant Alleles (ENIGMA)
Classification: Pathogenic for Breast-ovarian cancer, familial, susceptibility to, 1. Last evaluated: 2016-09-08. Review status: reviewed by expert panel. Criteria: ENIGMA BRCA1/2 Classification Criteria (2015). Collection method: curation. Allele origin: germline.
Comment: Variant allele predicted to encode a truncated non-functional protein.

Breast Cancer Information Core (BIC) (BRCA1)
Classification: Pathogenic for Breast-ovarian cancer, familial 1. Last evaluated: 2003-12-23. Review status: no assertion criteria provided. Collection method: clinical testing. Allele origin: germline. Affected: yes. Observed: 1 variant allele. Not counted in ClinVar's aggregate classification.